The following is an entry in ClinVar:

NM_001365480.1(CCDC88A):c.4633T>C (p.Ser1545Pro)

Gene: CCDC88A (coiled-coil domain containing 88A; minus strand). Cytogenetic location: 2p16.1.
Variant type: single nucleotide variant.
Coding change: c.4633T>C on transcript NM_001365480.1 (MANE Select); coding-DNA position 4633, T replaced by C.
Protein change: p.Ser1545Pro; replaces serine 1545 with proline.
Molecular consequence: missense variant.
Genome position (GRCh38, 1-based): chr2:55,301,911, A>G on the plus strand (T>C on the coding strand, the complement: CCDC88A is on the minus strand). VCF-style: chr2-55301911-A-G. GRCh37 (hg19) VCF-style: chr2-55529047-A-G.
Other names: c.4630T>C, p.Ser1544Pro (NM_001135597.2, NM_001254943.2); c.4549T>C, p.Ser1517Pro (NM_018084.5); c.4630T>C (NM_001135597.1); short protein forms S1544P, S1545P, S1517P.
Identifiers: ClinVar variation 1499868 (VCV001499868.4), dbSNP rs767858393, ClinGen allele CA1665538.
Genomic context (GRCh38, chr2:55,301,911, plus strand): 5'-CAAATAGCAGACAGCCTATACCTTTATTATTAACCAACTGCTTGGATCTGAAGCCTGCAG[A>G]AGAGTTGACAGTTGAAAAGTTGATGGCTGTAGTAGAGAAGGCCATAGCTCCCAATTCTTT-3'
Protein context (NP_001352409.1, residues 1535-1555): TAINFSTVNS[Ser1545Pro]AGFRSKQLVN

ClinVar aggregate classification (germline): Uncertain significance. Review status: criteria provided, multiple submitters, no conflicts (2 of 4 stars). 2 submissions from 2 submitters: Uncertain significance (2). Last evaluated 2024-10-24.

Allele frequency attached by ClinVar (database versions not stated): gnomAD exomes below 0.00001; ExAC 0.00001; TOPMed 0.00004.
gnomAD v4.1: 2 of 1,614,202 alleles (0.00012%); highest among the groups gnomAD compares: African/African-American, 0.0013%; no homozygotes.

Submissions (2):

Ambry Genetics
Classification: Uncertain significance. Last evaluated: 2024-10-24. Review status: criteria provided, single submitter. Criteria: Ambry Variant Classification Scheme 2023. Collection method: clinical testing. Allele origin: germline.

Labcorp Genetics (formerly Invitae), Labcorp
Classification: Uncertain significance. Last evaluated: 2021-08-06. Review status: criteria provided, single submitter. Criteria: Invitae Variant Classification Sherloc (09022015). Collection method: clinical testing. Allele origin: germline.
Comment: This sequence change replaces serine with proline at codon 1544 of the CCDC88A protein (p.Ser1544Pro). The serine residue is moderately conserved and there is a moderate physicochemical difference between serine and proline. This variant is present in population databases (rs767858393, ExAC 0.01%). This variant has not been reported in the literature in individuals affected with CCDC88A-related conditions. Algorithms developed to predict the effect of missense changes on protein structure and function (SIFT, PolyPhen-2, Align-GVGD) all suggest that this variant is likely to be tolerated. In summary, the available evidence is currently insufficient to determine the role of this variant in disease. Therefore, it has been classified as a Variant of Uncertain Significance.